The following is an entry in ClinVar:

ClinVar aggregate classification (germline): Conflicting classifications of pathogenicity. Review status: criteria provided, conflicting classifications (1 of 4 stars). 4 submissions from 3 submitters: Pathogenic (1); Uncertain significance (2). 1 of the submissions does not count toward it. Last evaluated 2017-09-25.

Conditions:
Hyperinsulinemic hypoglycemia, familial, 1 (HHF1). Also called: HYPERINSULINISM, FAMILIAL, WITH PANCREATIC NESIDIOBLASTOSIS; HYPOGLYCEMIA, HYPERINSULINEMIC, OF INFANCY; Persistent hyperinsulinemic hypoglycemia of infancy; NESIDIOBLASTOSIS OF PANCREAS; Persistent Hyperinsulinemia Hypoglycemia of Infancy. Identifiers: Orphanet 276575, Orphanet 276598, MedGen C2931832, MONDO:0009734, OMIM 256450.
Transitory neonatal diabetes mellitus. Also called: Transient neonatal diabetes mellitus. Identifiers: MedGen C0342273, MONDO:0020525, HP:0008255.
Maturity-onset diabetes of the young (MODY). Also called: Maturity onset diabetes mellitus in young. Identifiers: Orphanet 552, MedGen C0342276, MONDO:0018911, HP:0004904.

Submissions (4):

Genetic Services Laboratory, University of Chicago
Classification: Pathogenic. Last evaluated: 2017-09-25. Review status: criteria provided, single submitter. Criteria: ACMG Guidelines, 2015. Collection method: clinical testing. Allele origin: germline. Affected: yes.

Clinical Genomics, Uppaluri K&H Personalized Medicine Clinic
Classification: Uncertain significance for Maturity-onset diabetes of the young. Review status: criteria provided, single submitter. Criteria: K & H Uppaluri Personalized Medicine Clinic Variant Classification & Assertion Criteria_Updated V.1. Collection method: research. Allele origin: somatic. Inheritance: Somatic mutation.
Comment: Mutations in ABCC8 gene are associated with both neonatal diabetes mellitus as well as MODY. Patients with this mutation may have a better response to sulfonylureas. However, no sufficient evidence is found to ascertain the role of this particular variant ( rs1554904904) in MODY yet.

Clinical Genomics, Uppaluri K&H Personalized Medicine Clinic
Classification: Uncertain significance for Transitory neonatal diabetes mellitus. Review status: criteria provided, single submitter. Criteria: K & H Uppaluri Personalized Medicine Clinic Variant Classification & Assertion Criteria_Updated V.1. Collection method: research. Allele origin: somatic. Inheritance: Somatic mutation.
Comment: Mutations in ABCC8 gene are associated with both neonatal diabetes mellitus as well as MODY. Patients with this mutation may have a better response to sulfonylureas. However, no sufficient evidence is found to ascertain the role of this particular variant (rs1554904904 ) in neonatal diabetes yet.

Counsyl
Classification: Likely pathogenic for Hyperinsulinemic hypoglycemia, familial, 1. Last evaluated: 2016-12-21. Review status: no assertion criteria provided. Collection method: clinical testing. Allele origin: unknown. Not counted in ClinVar's aggregate classification.

Literature cited by the submitters: PubMed 16885549 (cited by Clinical Genomics, Uppaluri K&H Personalized Medicine Clinic); PubMed 21989597 (cited by Clinical Genomics, Uppaluri K&H Personalized Medicine Clinic); PubMed 27538677 (cited by Clinical Genomics, Uppaluri K&H Personalized Medicine Clinic); PubMed 18981553 (cited by Clinical Genomics, Uppaluri K&H Personalized Medicine Clinic); PubMed 32027066 (cited by Clinical Genomics, Uppaluri K&H Personalized Medicine Clinic); PubMed 16613899 (cited by Clinical Genomics, Uppaluri K&H Personalized Medicine Clinic); PubMed 18025408 (cited by Clinical Genomics, Uppaluri K&H Personalized Medicine Clinic); PubMed 32792356 (cited by Clinical Genomics, Uppaluri K&H Personalized Medicine Clinic).

NM_000352.6(ABCC8):c.4275_4291del (p.Asp1427fs)

Gene: ABCC8 (ATP binding cassette subfamily C member 8; minus strand). Cytogenetic location: 11p15.1.
Variant type: Deletion.
Coding change: c.4275_4291del on transcript NM_000352.6 (MANE Select); coding-DNA positions 4275 to 4291, 17 bases deleted (GCAGGACCCCGTCCTCT).
Protein change: p.Asp1427fs; shifts the reading frame from aspartic acid 1427.
Molecular consequence: frameshift variant. On other transcripts: non-coding transcript variant (1).
Genome position (GRCh38, 1-based): chr11:17,395,626-17,395,642, AGAGGACGGGGTCCTGC deleted on the plus strand (GCAGGACCCCGTCCTCT on the coding strand, the reverse complement: ABCC8 is on the minus strand); deleting any 17 consecutive bases within chr11:17,395,626-17,395,644 gives the same sequence; the c. name uses the placement nearest the transcript's 3' end. VCF-style (leftmost placement, unchanged base first): chr11-17395625-AAGAGGACGGGGTCCTGC-A. GRCh37 (hg19) VCF-style: chr11-17417172-AAGAGGACGGGGTCCTGC-A.
Other names: c.4275_4291del17 (NM_000352.3); c.4278_4294del, p.Asp1428fs (NM_001287174.3); c.4341_4357del, p.Asp1449fs (NM_001351295.2); c.4275_4291del, p.Asp1427fs (NM_001351296.2); c.4272_4288del, p.Asp1426fs (NM_001351297.2); short protein forms D1426fs, D1428fs, D1427fs, D1449fs.
Identifiers: ClinVar variation 550214 (VCV000550214.7), dbSNP rs1554904904, ClinGen allele CA658822168.